The following is an entry in ClinVar:

NM_003227.4(TFR2):c.89G>A (p.Arg30Gln)

Gene: TFR2 (transferrin receptor 2; minus strand). Cytogenetic location: 7q22.1.
Variant type: single nucleotide variant.
Coding change: c.89G>A on transcript NM_003227.4 (MANE Select); coding-DNA position 89, G replaced by A.
Protein change: p.Arg30Gln; replaces arginine 30 with glutamine.
Molecular consequence: missense variant.
Genome position (GRCh38, 1-based): chr7:100,641,173, C>T on the plus strand (G>A on the coding strand, the complement: TFR2 is on the minus strand). VCF-style: chr7-100641173-C-T. GRCh37 (hg19) VCF-style: chr7-100238796-C-T.
Other names: short protein forms R30Q.
Identifiers: ClinVar variation 2058530 (VCV002058530.2), dbSNP rs750603454, ClinGen allele CA4386930.

ClinVar aggregate classification (germline): Conflicting classifications of pathogenicity. Review status: criteria provided, conflicting classifications (1 of 4 stars). 2 submissions from 2 submitters: Uncertain significance (1); Likely benign (1). Last evaluated 2022-12-15.

Conditions:
Inborn genetic diseases. Identifiers: MedGen C0950123, MeSH D030342.
Hereditary hemochromatosis (HFE). Identifiers: MedGen C0392514, MONDO:0006507. Disease mechanism: loss of function.

Allele frequency attached by ClinVar (database versions not stated): TOPMed 0.00003; gnomAD exomes 0.00006.
gnomAD v4.1: 80 of 1,526,768 alleles (0.0052%); highest among the groups gnomAD compares: Non-Finnish European, 0.0063%; no homozygotes.

Submissions (2):

Ambry Genetics
Classification: Likely benign for Inborn genetic diseases. Last evaluated: 2022-12-15. Review status: criteria provided, single submitter. Criteria: Ambry Variant Classification Scheme 2023. Collection method: clinical testing. Allele origin: germline.

Labcorp Genetics (formerly Invitae), Labcorp
Classification: Uncertain significance for Hereditary hemochromatosis. Last evaluated: 2022-04-08. Review status: criteria provided, single submitter. Criteria: Invitae Variant Classification Sherloc (09022015). Collection method: clinical testing. Allele origin: germline.
Comment: This sequence change replaces arginine, which is basic and polar, with glutamine, which is neutral and polar, at codon 30 of the TFR2 protein (p.Arg30Gln). The frequency data for this variant in the population databases is considered unreliable, as metrics indicate poor data quality at this position in the gnomAD database. This variant has not been reported in the literature in individuals affected with TFR2-related conditions. Algorithms developed to predict the effect of missense changes on protein structure and function output the following: SIFT: "Tolerated"; PolyPhen-2: "Benign"; Align-GVGD: "Class C0". The glutamine amino acid residue is found in multiple mammalian species, which suggests that this missense change does not adversely affect protein function. In summary, the available evidence is currently insufficient to determine the role of this variant in disease. Therefore, it has been classified as a Variant of Uncertain Significance.